The following is an entry in ClinVar:

ClinVar aggregate classification (germline): Uncertain significance (1 of 4 stars; one submission).

Submission:

GeneDx
Classification: Uncertain significance. Last evaluated: 2025-04-01. Review status: criteria provided, single submitter. Criteria: GeneDx Variant Classification Process June 2021. Collection method: clinical testing. Allele origin: germline. Affected: yes.
Comment: Not observed at significant frequency in large population cohorts (gnomAD); In silico analysis supports that this missense variant has a deleterious effect on protein structure/function; Has not been previously published as pathogenic or benign to our knowledge

NM_152713.5(STT3A):c.1507G>T (p.Asp503Tyr)

Gene: STT3A (STT3 oligosaccharyltransferase complex catalytic subunit A; plus strand). Cytogenetic location: 11q24.2.
Variant type: single nucleotide variant.
Coding change: c.1507G>T on transcript NM_152713.5 (MANE Select); coding-DNA position 1507, G replaced by T.
Protein change: p.Asp503Tyr; replaces aspartic acid 503 with tyrosine.
Molecular consequence: missense variant.
Genome position (GRCh38, 1-based): chr11:125,613,130, G>T. VCF-style: chr11-125613130-G-T. GRCh37 (hg19) VCF-style: chr11-125483025-G-T.
Other names: c.1231G>T, p.Asp411Tyr (NM_001278504.2); c.1507G>T, p.Asp503Tyr (NM_001278503.2); short protein forms D411Y, D503Y.
Identifiers: ClinVar variation 4278602 (VCV004278602.1).